The following is an entry in ClinVar:

ClinVar aggregate classification (germline): Uncertain significance (1 of 4 stars; one submission).

Allele frequency attached by ClinVar (database versions not stated): gnomAD exomes 0.00001.

Submission:

GeneDx
Classification: Uncertain significance. Last evaluated: 2019-08-13. Review status: criteria provided, single submitter. Criteria: GeneDx Variant Classification Process June 2021. Collection method: clinical testing. Allele origin: germline. Affected: yes.
Comment: Not observed in large population cohorts (Lek et al., 2016); In silico analysis, which includes protein predictors and evolutionary conservation, supports a deleterious effect; Has not been previously published as pathogenic or benign to our knowledge

NM_001024630.4(RUNX2):c.860A>G (p.Asp287Gly)

Gene: RUNX2 (RUNX family transcription factor 2; plus strand). Cytogenetic location: 6p21.1.
Variant type: single nucleotide variant.
Coding change: c.860A>G on transcript NM_001024630.4 (MANE Select); coding-DNA position 860, A replaced by G.
Protein change: p.Asp287Gly; replaces aspartic acid 287 with glycine.
Molecular consequence: missense variant.
Genome position (GRCh38, 1-based): chr6:45,512,246, A>G. VCF-style: chr6-45512246-A-G. GRCh37 (hg19) VCF-style: chr6-45479983-A-G.
Other names: c.860A>G, p.Asp287Gly (NM_001015051.4); c.818A>G, p.Asp273Gly (NM_001278478.2, NM_001369405.1); short protein forms D287G, D273G.
Identifiers: ClinVar variation 423547 (VCV000423547.3), dbSNP rs1033729267, ClinGen allele CA16618291.